The following is an entry in ClinVar:

ClinVar aggregate classification (germline): Likely benign. Review status: criteria provided, multiple submitters, no conflicts (2 of 4 stars). 2 submissions from 2 submitters: Likely benign (2). Last evaluated 2022-03-01.

Allele frequency attached by ClinVar (database versions not stated): gnomAD exomes 0.00002; TOPMed 0.00002; gnomAD 0.00003; ExAC 0.00005.
gnomAD v4.1: 30 of 1,614,046 alleles (0.0019%); highest among the groups gnomAD compares: Non-Finnish European, 0.0013%; no homozygotes.

Submissions (2):

CeGaT Center for Human Genetics Tuebingen
Classification: Likely benign. Last evaluated: 2022-03-01. Review status: criteria provided, single submitter. Criteria: CeGaT Center For Human Genetics Tuebingen Variant Classification Criteria Version 2. Collection method: clinical testing. Allele origin: germline. Affected: yes. Observed: 1 variant allele.
Comment: MED13: BP4, BP7

Blueprint Genetics
Classification: Likely benign. Last evaluated: 2021-08-05. Review status: criteria provided, single submitter. Criteria: ACMG Guidelines, 2015. Collection method: clinical testing. Allele origin: germline.

NM_005121.3(MED13):c.4998A>G (p.Leu1666=)

Gene: MED13 (mediator complex subunit 13; minus strand). Cytogenetic location: 17q23.2.
Variant type: single nucleotide variant.
Coding change: c.4998A>G on transcript NM_005121.3 (MANE Select); coding-DNA position 4998, A replaced by G.
Protein change: p.Leu1666=; no amino-acid change (leucine 1666 retained).
Molecular consequence: synonymous variant.
Genome position (GRCh38, 1-based): chr17:61,962,818, T>C on the plus strand (A>G on the coding strand, the complement: MED13 is on the minus strand). VCF-style: chr17-61962818-T-C. GRCh37 (hg19) VCF-style: chr17-60040179-T-C.
Identifiers: ClinVar variation 2648006 (VCV002648006.25), dbSNP rs748379872, ClinGen allele CA8692283.